The following is an entry in ClinVar:

ClinVar aggregate classification (germline): Uncertain significance (1 of 4 stars; one submission).

Conditions:
Congenital myasthenic syndrome 8. Also called: Myasthenic syndrome, congenital, 8, with pre- and postsynaptic defects; MYASTHENIC SYNDROME, CONGENITAL, DUE TO AGRIN DEFICIENCY. Identifiers: Orphanet 590, MedGen C3808739, MONDO:0014052, OMIM 615120.

Allele frequency attached by ClinVar (database versions not stated): gnomAD 0.00001; TOPMed 0.00003.

Submission:

Labcorp Genetics (formerly Invitae), Labcorp
Classification: Uncertain significance for Congenital myasthenic syndrome 8. Last evaluated: 2025-07-28. Review status: criteria provided, single submitter. Criteria: Invitae Variant Classification Sherloc (09022015). Collection method: clinical testing. Allele origin: germline.
Comment: This sequence change replaces alanine, which is neutral and non-polar, with serine, which is neutral and polar, at codon 21 of the AGRN protein (p.Ala21Ser). This variant is not present in population databases (gnomAD no frequency). This variant has not been reported in the literature in individuals affected with AGRN-related conditions. ClinVar contains an entry for this variant (Variation ID: 1930083). Experimental studies and prediction algorithms are not available or were not evaluated, and the functional significance of this variant is currently unknown. In summary, the available evidence is currently insufficient to determine the role of this variant in disease. Therefore, it has been classified as a Variant of Uncertain Significance.

NM_198576.4(AGRN):c.61G>T (p.Ala21Ser)

Gene: AGRN (agrin; plus strand). Cytogenetic location: 1p36.33.
Variant type: single nucleotide variant.
Coding change: c.61G>T on transcript NM_198576.4 (MANE Select); coding-DNA position 61, G replaced by T.
Protein change: p.Ala21Ser; replaces alanine 21 with serine.
Molecular consequence: missense variant.
Genome position (GRCh38, 1-based): chr1:1,020,233, G>T. VCF-style: chr1-1020233-G-T. GRCh37 (hg19) VCF-style: chr1-955613-G-T.
Other names: c.61G>T, p.Ala21Ser (NM_001305275.2); short protein forms A21S.
Identifiers: ClinVar variation 1930083 (VCV001930083.5), dbSNP rs1383634825, ClinGen allele CA337809743.